The following is an entry in ClinVar:

ClinVar aggregate classification (germline): Uncertain significance (1 of 4 stars; one submission).

Conditions:
Hereditary cancer-predisposing syndrome. Also called: Neoplastic Syndromes, Hereditary; Tumor predisposition; Hereditary Cancer Syndrome; Hereditary neoplastic syndrome. Identifiers: Orphanet 140162, MedGen C0027672, MeSH D009386, MONDO:0015356.

Submission:

Ambry Genetics
Classification: Uncertain significance for Hereditary cancer-predisposing syndrome. Last evaluated: 2025-12-10. Review status: criteria provided, single submitter. Criteria: Ambry Variant Classification Scheme 2023. Collection method: clinical testing. Allele origin: germline.
Comment: The p.Q1120* variant (also known as c.3358C>T), located in coding exon 24 of the MSH3 gene, results from a C to T substitution at nucleotide position 3358. This changes the amino acid from a glutamine to a stop codon within coding exon 24. This alteration occurs at the 3' terminus of the gene, is not expected to trigger nonsense-mediated mRNAdecay, and impacts the last 18 amino acids of the protein. The exact functional effect of this alteration is unknown. Based on the available evidence, the clinical significance of this variant remains unclear.

NM_002439.5(MSH3):c.3358C>T (p.Gln1120Ter)

Gene: MSH3 (mutS homolog 3; plus strand). Cytogenetic location: 5q14.1.
Variant type: single nucleotide variant.
Coding change: c.3358C>T on transcript NM_002439.5 (MANE Select); coding-DNA position 3358, C replaced by T.
Protein change: p.Gln1120Ter; replaces glutamine 1120 with a stop codon.
Molecular consequence: nonsense.
Genome position (GRCh38, 1-based): chr5:80,875,806, C>T. VCF-style: chr5-80875806-C-T. GRCh37 (hg19) VCF-style: chr5-80171625-C-T.
Other names: short protein forms Q1120*.
Identifiers: ClinVar variation 4654909 (VCV004654909.1).
Genomic context (GRCh38, chr5:80,875,806, plus strand): 5'-CCCAGAAAGAGACTCAAGTATTTTGCAAAGTTATGGACGATGCATAATGCACAAGACCTG[C>T]AGAAGTGGACAGAGGAGTTCAACATGGAAGAAACACAGACTTCTCTTCTTCATTAAAATG-3'